The following is an entry in ClinVar:

NM_000088.4(COL1A1):c.251C>T (p.Ala84Val)

Gene: COL1A1 (collagen type I alpha 1 chain; minus strand). Cytogenetic location: 17q21.33.
Variant type: single nucleotide variant.
Coding change: c.251C>T on transcript NM_000088.4 (MANE Select); coding-DNA position 251, C replaced by T.
Protein change: p.Ala84Val; replaces alanine 84 with valine.
Molecular consequence: missense variant.
Genome position (GRCh38, 1-based): chr17:50,199,800, G>A on the plus strand (C>T on the coding strand, the complement: COL1A1 is on the minus strand). VCF-style: chr17-50199800-G-A. GRCh37 (hg19) VCF-style: chr17-48277161-G-A.
Other names: short protein forms A84V.
Identifiers: ClinVar variation 5034691 (VCV005034691.1).
Genomic context (GRCh38, chr17:50,199,800, plus strand): 5'-AGCGCAGCCGCACCTGAGCCGTCGGGGCAGACGGGACAGCACTCGCCCTCGGGGACTTCG[G>A]CGCCGGGGCAGTTCTTGGTCTCGTCACAGATCACGTCATCGCACAACACCTTGCCGTTGT-3'
Protein context (NP_000079.2, residues 74-94): ICDETKNCPG[Ala84Val]EVPEGECCPV

ClinVar aggregate classification (germline): Uncertain significance (1 of 4 stars; one submission).

Conditions:
Cardiovascular phenotype. Identifiers: MedGen CN230736.

gnomAD v4.1: 5 of 1,613,882 alleles (0.00031%); highest among the groups gnomAD compares: Admixed American, 0.0033%; no homozygotes.

Submission:

Ambry Genetics
Classification: Uncertain significance for Cardiovascular phenotype. Last evaluated: 2026-08-29. Review status: criteria provided, single submitter. Criteria: Ambry Variant Classification Scheme 2023. Collection method: clinical testing. Allele origin: germline.
Comment: The p.A84V variant (also known as c.251C>T), located in coding exon 2 of the COL1A1 gene, results from a C to T substitution at nucleotide position 251. The alanine at codon 84 is replaced by valine, an amino acid with similar properties. This amino acid position is conserved. In addition, this alteration is predicted to be tolerated by in silico analysis. Based on the available evidence, the clinical significance of this variant remains unclear.